The following is an entry in ClinVar:

NM_001283009.2(RTEL1):c.3643T>G (p.Ser1215Ala)

Genes: RTEL1 (regulator of telomere elongation helicase 1; plus strand), RTEL1-TNFRSF6B (RTEL1-TNFRSF6B readthrough (NMD candidate); plus strand). Cytogenetic location: 20q13.33.
Variant type: single nucleotide variant.
Coding change: c.3643T>G on transcript NM_001283009.2 (MANE Select); coding-DNA position 3643, T replaced by G.
Protein change: p.Ser1215Ala; replaces serine 1215 with alanine.
Molecular consequence: missense variant. On other transcripts: non-coding transcript variant (1).
Genome position (GRCh38, 1-based): chr20:63,695,471, T>G. VCF-style: chr20-63695471-T-G. GRCh37 (hg19) VCF-style: chr20-62326824-T-G.
Other names: c.2974T>G, p.Ser992Ala (NM_001283010.1); c.3643T>G, p.Ser1215Ala (NM_016434.4); c.3715T>G, p.Ser1239Ala (NM_032957.5); short protein forms S1215A, S1239A, S992A.
Identifiers: ClinVar variation 3791059 (VCV003791059.1).

ClinVar aggregate classification (germline): Uncertain significance (1 of 4 stars; one submission).

Conditions:
Inborn genetic diseases. Identifiers: MedGen C0950123, MeSH D030342.

Submission:

Ambry Genetics
Classification: Uncertain significance for Inborn genetic diseases. Last evaluated: 2025-01-11. Review status: criteria provided, single submitter. Criteria: Ambry Variant Classification Scheme 2023. Collection method: clinical testing. Allele origin: germline.
Comment: The p.S1215A variant (also known as c.3643T>G), located in coding exon 33 of the RTEL1 gene, results from a T to G substitution at nucleotide position 3643. The serine at codon 1215 is replaced by alanine, an amino acid with similar properties. This amino acid position is conserved. In addition, this alteration is predicted to be tolerated by in silico analysis. Based on the available evidence, the clinical significance of this variant remains unclear.